The following is an entry in ClinVar:

NM_006393.3(NEBL):c.1315C>T (p.Arg439Ter)

Gene: NEBL (nebulette; minus strand). Cytogenetic location: 10p12.31.
Variant type: single nucleotide variant.
Coding change: c.1315C>T on transcript NM_006393.3 (MANE Select); coding-DNA position 1315, C replaced by T.
Protein change: p.Arg439Ter; replaces arginine 439 with a stop codon.
Molecular consequence: nonsense. On other transcripts: intron variant (9).
Genome position (GRCh38, 1-based): chr10:20,840,762, G>A on the plus strand (C>T on the coding strand, the complement: NEBL is on the minus strand). VCF-style: chr10-20840762-G-A. GRCh37 (hg19) VCF-style: chr10-21129691-G-A.
Other names: c.250-27822C>T (NM_001377326.1, NM_001377327.1, NM_001377328.1); c.358-27822C>T (NM_213569.2, NM_001173484.2, NM_001377322.1); c.301-27822C>T (NM_001377324.1); c.292-27822C>T (NM_001377325.1); c.310-27822C>T (NM_001377323.1); short protein forms R439*.
Identifiers: ClinVar variation 2741305 (VCV002741305.3), dbSNP rs779918718, ClinGen allele CA5432920.

ClinVar aggregate classification (germline): Uncertain significance (1 of 4 stars; one submission).

Conditions:
Primary dilated cardiomyopathy (DCM). Also called: Dilated Cardiomyopathy. Identifiers: Orphanet 217604, MedGen C0007193, MeSH D002311, MONDO:0005021, HP:0001644. Inheritance: Various modes of inheritance.

Allele frequency attached by ClinVar (database versions not stated): gnomAD 0.00001.
gnomAD v4.1: 18 of 1,610,402 alleles (0.0011%); highest among the groups gnomAD compares: South Asian, 0.0077%; no homozygotes.

Submission:

Labcorp Genetics (formerly Invitae), Labcorp
Classification: Uncertain significance for Primary dilated cardiomyopathy. Last evaluated: 2025-04-09. Review status: criteria provided, single submitter. Criteria: Invitae Variant Classification Sherloc (09022015). Collection method: clinical testing. Allele origin: germline.
Comment: This sequence change creates a premature translational stop signal (p.Arg439*) in the NEBL gene. It is expected to result in an absent or disrupted protein product. However, the current clinical and genetic evidence is not sufficient to establish whether loss-of-function variants in NEBL cause disease. This variant is present in population databases (rs779918718, gnomAD 0.007%). This variant has not been reported in the literature in individuals affected with NEBL-related conditions. ClinVar contains an entry for this variant (Variation ID: 2741305). In summary, the available evidence is currently insufficient to determine the role of this variant in disease. Therefore, it has been classified as a Variant of Uncertain Significance.